The following is an entry in ClinVar:

NM_007294.4(BRCA1):c.2536G>A (p.Glu846Lys)

Gene: BRCA1 (BRCA1 DNA repair associated; minus strand). Cytogenetic location: 17q21.31.
Variant type: single nucleotide variant.
Coding change: c.2536G>A on transcript NM_007294.4 (MANE Select); coding-DNA position 2536, G replaced by A.
Protein change: p.Glu846Lys; replaces glutamic acid 846 with lysine.
Molecular consequence: missense variant. On other transcripts: intron variant (137).
Genome position (GRCh38, 1-based): chr17:43,092,995, C>T on the plus strand (G>A on the coding strand, the complement: BRCA1 is on the minus strand). VCF-style: chr17-43092995-C-T. GRCh37 (hg19) VCF-style: chr17-41245012-C-T.
Other names: c.2032G>A, p.Glu678Lys (NM_001407965.1); c.1648G>A, p.Glu550Lys (NM_001407966.1, NM_001407967.1); c.2395G>A, p.Glu799Lys (NM_007297.4, NM_001407692.1, NM_001407694.1 and 29 more transcripts); c.2536G>A, p.Glu846Lys (NM_007300.4, NM_001407581.1, NM_001407582.1 and 30 more transcripts); c.646+1749G>A (NM_001408458.1, NM_001408469.1, NM_001408453.1 and 11 more transcripts); c.283+1749G>A (NM_001408512.1); c.406+1749G>A (NM_001408510.1); c.643+1749G>A (NM_001408470.1, NM_001408464.1, NM_001408468.1 and 3 more transcripts); and 41 more; short protein forms E846K, E799K, E718K, E734K, E779K, E798K, E804K, E845K.
Identifiers: ClinVar variation 187166 (VCV000187166.21), dbSNP rs786203523, ClinGen allele CA001677.
Genomic context (GRCh38, chr17:43,092,995, plus strand): 5'-GCTTTGAAACCTTGAATGTATTCTGCAAATACTGAGCATCAAGTTCACTTTCTTCCATTT[C>T]TATGCTTGTTTCCCGACTGTGGTTAACTTCATGTCCCAATGGATACTTAAAGCCTTCTGT-3'
Protein context (NP_009225.1, residues 836-856): EVNHSRETSI[Glu846Lys]MEESELDAQY

ClinVar aggregate classification (germline): Conflicting classifications of pathogenicity. Review status: criteria provided, conflicting classifications (1 of 4 stars). 5 submissions from 5 submitters: Uncertain significance (4); Likely benign (1). Last evaluated 2025-01-24.

Conditions:
Hereditary cancer-predisposing syndrome. Also called: Neoplastic Syndromes, Hereditary; Tumor predisposition; Hereditary Cancer Syndrome; Hereditary neoplastic syndrome. Identifiers: Orphanet 140162, MedGen C0027672, MeSH D009386, MONDO:0015356.
Hereditary breast ovarian cancer syndrome. Also called: Hereditary breast and ovarian cancer; Hereditary breast and/or ovarian cancer syndrome; BRCA1- and BRCA2-Associated Hereditary Breast and Ovarian Cancer; Hereditary breast and ovarian cancer syndrome (HBOC); Hereditary breast and ovarian cancer syndrome; Breast and ovarian cancer. Identifiers: Orphanet 145, MedGen C0677776, MeSH D061325, MONDO:0003582. Disease mechanism: loss of function.

Submissions (5):

Ambry Genetics
Classification: Uncertain significance for Hereditary cancer-predisposing syndrome. Last evaluated: 2025-01-24. Review status: criteria provided, single submitter. Criteria: Ambry Variant Classification Scheme 2023. Collection method: clinical testing. Allele origin: germline.
Comment: The p.E846K variant (also known as c.2536G>A), located in coding exon 9 of the BRCA1 gene, results from a G to A substitution at nucleotide position 2536. The glutamic acid at codon 846 is replaced by lysine, an amino acid with similar properties. This amino acid position is well conserved in available vertebrate species. In addition, the in silico prediction for this alteration is inconclusive. Based on the available evidence, the clinical significance of this variant remains unclear.

University of Washington Department of Laboratory Medicine, University of Washington
Classification: Likely benign for Hereditary cancer-predisposing syndrome. Last evaluated: 2023-03-23. Review status: criteria provided, single submitter. Criteria: Dines et al. (Genet Med. 2020). Collection method: curation. Allele origin: germline.
Comment: Missense variant in a coldspot region where missense variants are very unlikely to be pathogenic (PMID:31911673).

BRCA1 coldspot (exon 11 using historical exon numbering). Reclassification based on statistical prior probability

Women's Health and Genetics/Laboratory Corporation of America, LabCorp
Classification: Uncertain significance. Last evaluated: 2020-11-16. Review status: criteria provided, single submitter. Criteria: LabCorp Variant Classification Summary - May 2015. Collection method: clinical testing. Allele origin: germline.
Comment: Variant summary: BRCA1 c.2536G>A (p.Glu846Lys) results in a conservative amino acid change in the encoded protein sequence. Three of five in-silico tools predict a damaging effect of the variant on protein function. The variant was absent in 251044 control chromosomes (gnomAD). The available data on variant occurrences in the general population are insufficient to allow any conclusion about variant significance. To our knowledge, no occurrence of c.2536G>A in individuals affected with Hereditary Breast and Ovarian Cancer Syndrome and no experimental evidence demonstrating its impact on protein function have been reported. One clinical diagnostic laboratory has submitted clinical-significance assessments for this variant to ClinVar after 2014 without evidence for independent evaluation. One laboratory classified the variant as uncertain significance. Based on the evidence outlined above, the variant was classified as uncertain significance.

Labcorp Genetics (formerly Invitae), Labcorp
Classification: Uncertain significance for Hereditary breast ovarian cancer syndrome. Last evaluated: 2020-10-07. Review status: criteria provided, single submitter. Criteria: Invitae Variant Classification Sherloc (09022015). Collection method: clinical testing. Allele origin: germline.
Comment: This sequence change replaces glutamic acid with lysine at codon 846 of the BRCA1 protein (p.Glu846Lys). The glutamic acid residue is highly conserved and there is a small physicochemical difference between glutamic acid and lysine. This variant is not present in population databases (ExAC no frequency). In summary, the available evidence is currently insufficient to determine the role of this variant in disease. Therefore, it has been classified as a Variant of Uncertain Significance. Advanced modeling of protein sequence and biophysical properties (such as structural, functional, and spatial information, amino acid conservation, physicochemical variation, residue mobility, and thermodynamic stability) performed at Invitae indicates that this missense variant is not expected to disrupt BRCA1 protein function. This variant has not been reported in the literature in individuals with BRCA1-related conditions. ClinVar contains an entry for this variant (Variation ID: 187166).

Color Diagnostics, LLC DBA Color Health
Classification: Uncertain significance for Hereditary cancer-predisposing syndrome. Last evaluated: 2019-05-16. Review status: criteria provided, single submitter. Criteria: ACMG Guidelines, 2015. Collection method: clinical testing. Allele origin: germline.